The following is an entry in ClinVar:

NM_006946.4(SPTBN2):c.82C>T (p.Leu28Phe)

Gene: SPTBN2 (spectrin beta, non-erythrocytic 2; minus strand). Cytogenetic location: 11q13.2.
Variant type: single nucleotide variant.
Coding change: c.82C>T on transcript NM_006946.4 (MANE Select); coding-DNA position 82, C replaced by T.
Protein change: p.Leu28Phe; replaces leucine 28 with phenylalanine.
Molecular consequence: missense variant.
Genome position (GRCh38, 1-based): chr11:66,721,159, G>A on the plus strand (C>T on the coding strand, the complement: SPTBN2 is on the minus strand). VCF-style: chr11-66721159-G-A. GRCh37 (hg19) VCF-style: chr11-66488630-G-A.
Other names: short protein forms L28F.
Identifiers: ClinVar variation 1999489 (VCV001999489.4), dbSNP rs2496681462, ClinGen allele CA381485216.

ClinVar aggregate classification (germline): Uncertain significance (1 of 4 stars; one submission).

Submission:

Labcorp Genetics (formerly Invitae), Labcorp
Classification: Uncertain significance. Last evaluated: 2022-05-27. Review status: criteria provided, single submitter. Criteria: Invitae Variant Classification Sherloc (09022015). Collection method: clinical testing. Allele origin: germline.
Comment: In summary, the available evidence is currently insufficient to determine the role of this variant in disease. Therefore, it has been classified as a Variant of Uncertain Significance. Advanced modeling of protein sequence and biophysical properties (such as structural, functional, and spatial information, amino acid conservation, physicochemical variation, residue mobility, and thermodynamic stability) performed at Invitae indicates that this missense variant is not expected to disrupt SPTBN2 protein function. This variant has not been reported in the literature in individuals affected with SPTBN2-related conditions. This variant is not present in population databases (gnomAD no frequency). This sequence change replaces leucine, which is neutral and non-polar, with phenylalanine, which is neutral and non-polar, at codon 28 of the SPTBN2 protein (p.Leu28Phe).